The following is an entry in ClinVar:

NM_000222.3(KIT):c.*1834A>G

Gene: KIT (KIT proto-oncogene, receptor tyrosine kinase; plus strand). Cytogenetic location: 4q12.
Variant type: single nucleotide variant.
Coding change: c.*1834A>G on transcript NM_000222.3 (MANE Select); 1834 bases downstream of the stop codon, A replaced by G.
Molecular consequence: 3 prime UTR variant.
Genome position (GRCh38, 1-based): chr4:54,740,391, A>G. VCF-style: chr4-54740391-A-G. GRCh37 (hg19) VCF-style: chr4-55606557-A-G.
Other names: c.*1834A>G (NM_001093772.2, NM_001385284.1, NM_001385285.1 and 4 more transcripts).
Identifiers: ClinVar variation 902286 (VCV000902286.28), dbSNP rs186953545, ClinGen allele CA96885164.

ClinVar aggregate classification (germline): Conflicting classifications of pathogenicity. Review status: criteria provided, conflicting classifications (1 of 4 stars). 4 submissions from 2 submitters: Uncertain significance (1); Benign (2); Likely benign (1). Last evaluated 2022-06-01.

Conditions:
Piebaldism. Also called: Piebald skin depigmentation. Identifiers: Orphanet 2884, MedGen C0080024, MONDO:0008244, OMIM 172800, HP:0007544.
Mastocytosis. Also called: Mast Cell Disease. Identifiers: Orphanet 98292, MedGen C0024899, MONDO:0007950, HP:0100495.
Gastrointestinal stromal tumor. Also called: Gastrointestinal stromal tumor, somatic; Gastrointestinal stroma tumor. Identifiers: Orphanet 44890, MedGen C0238198, MeSH D046152, MONDO:0011719, OMIM 606764, HP:0100723.

Allele frequency attached by ClinVar (database versions not stated): 1000 Genomes Project 0.00060; 1000 Genomes Project 30x 0.00078; gnomAD exomes 0.00105; gnomAD 0.00123 and 0.00125; TOPMed 0.00123.
gnomAD v4.1: 269 of 233,500 alleles (0.12%); highest among the groups gnomAD compares: Non-Finnish European, 0.2%; no homozygotes.

Submissions (4):

CeGaT Center for Human Genetics Tuebingen
Classification: Benign. Last evaluated: 2022-06-01. Review status: criteria provided, single submitter. Criteria: CeGaT Center For Human Genetics Tuebingen Variant Classification Criteria Version 2. Collection method: clinical testing. Allele origin: germline. Affected: yes. Observed: 1 variant allele.
Comment: KIT: BS1, BS2

Illumina Laboratory Services, Illumina
Classification: Uncertain significance for Piebaldism. Last evaluated: 2018-01-13. Review status: criteria provided, single submitter. Criteria: ICSL Variant Classification Criteria 13 December 2019. Collection method: clinical testing. Allele origin: germline.

Illumina Laboratory Services, Illumina
Classification: Benign for Cutaneous mastocytosis. Last evaluated: 2018-01-13. Review status: criteria provided, single submitter. Criteria: ICSL Variant Classification Criteria 13 December 2019. Collection method: clinical testing. Allele origin: germline.
Comment: This variant was observed in the ICSL laboratory as part of a predisposition screen in an ostensibly healthy population. It had not been previously curated by ICSL or reported in the Human Gene Mutation Database (HGMD: prior to June 1st, 2018), and was therefore a candidate for classification through an automated scoring system. Utilizing variant allele frequency, disease prevalence and penetrance estimates, and inheritance mode, an automated score was calculated to assess if this variant is too frequent to cause the disease. Based on the score and internal cut-off values, a variant classified as benign is not then subjected to further curation. The score for this variant resulted in a classification of benign for this disease.

Illumina Laboratory Services, Illumina
Classification: Likely benign for Gastrointestinal stromal tumor. Last evaluated: 2018-01-13. Review status: criteria provided, single submitter. Criteria: ICSL Variant Classification Criteria 13 December 2019. Collection method: clinical testing. Allele origin: germline.
Comment: This variant was observed in the ICSL laboratory as part of a predisposition screen in an ostensibly healthy population. It had not been previously curated by ICSL or reported in the Human Gene Mutation Database (HGMD: prior to June 1st, 2018), and was therefore a candidate for classification through an automated scoring system. Utilizing variant allele frequency, disease prevalence and penetrance estimates, and inheritance mode, an automated score was calculated to assess if this variant is too frequent to cause the disease. Based on the score and internal cut-off values, a variant classified as likely benign is not then subjected to further curation. The score for this variant resulted in a classification of likely benign for this disease.